The following is an entry in ClinVar:

NM_000257.4(MYH7):c.3305G>T (p.Ser1102Ile)

Gene: MYH7 (myosin heavy chain 7; minus strand). Cytogenetic location: 14q11.2.
Variant type: single nucleotide variant.
Coding change: c.3305G>T on transcript NM_000257.4 (MANE Select); coding-DNA position 3305, G replaced by T.
Protein change: p.Ser1102Ile; replaces serine 1102 with isoleucine.
Molecular consequence: missense variant.
Genome position (GRCh38, 1-based): chr14:23,420,989, C>A on the plus strand (G>T on the coding strand, the complement: MYH7 is on the minus strand). VCF-style: chr14-23420989-C-A. GRCh37 (hg19) VCF-style: chr14-23890198-C-A.
Other names: c.3305G>T, p.Ser1102Ile (NM_001407004.1); short protein forms S1102I.
Identifiers: ClinVar variation 3387318 (VCV003387318.1).

ClinVar aggregate classification (germline): Uncertain significance (1 of 4 stars; one submission).

Conditions:
Cardiomyopathy (CMYO). Also called: Cardiomyopathies. Identifiers: Orphanet 167848, MedGen C0878544, MONDO:0004994, HP:0001638. Inheritance: Various modes of inheritance.

Submission:

All of Us Research Program, National Institutes of Health
Classification: Uncertain significance for Cardiomyopathy. Last evaluated: 2024-08-06. Review status: criteria provided, single submitter. Criteria: ACMG Guidelines, 2015. Collection method: clinical testing. Allele origin: germline. Inheritance: Autosomal dominant inheritance. Observed: 1 variant allele, 1 heterozygote.
Comment: This study involves interpretation of variants in research participants for the purpose of population health screening. Participant phenotype was not available at the time of variant classification. Additional details can be found in publication PMID: 35346344, PMCID: PMC8962531